The following is an entry in ClinVar:

ClinVar aggregate classification (germline): Uncertain significance (1 of 4 stars; one submission).

Submission:

Labcorp Genetics (formerly Invitae), Labcorp
Classification: Uncertain significance. Last evaluated: 2025-02-02. Review status: criteria provided, single submitter. Criteria: Invitae Variant Classification Sherloc (09022015). Collection method: clinical testing. Allele origin: germline.
Comment: This sequence change replaces serine, which is neutral and polar, with phenylalanine, which is neutral and non-polar, at codon 1373 of the KAT6A protein (p.Ser1373Phe). This variant is present in population databases (no rsID available, gnomAD 0.002%). This variant has not been reported in the literature in individuals affected with KAT6A-related conditions. ClinVar contains an entry for this variant (Variation ID: 1991322). Experimental studies and prediction algorithms are not available or were not evaluated, and the functional significance of this variant is currently unknown. In summary, the available evidence is currently insufficient to determine the role of this variant in disease. Therefore, it has been classified as a Variant of Uncertain Significance.

NM_006766.5(KAT6A):c.4118_4119delinsTT (p.Ser1373Phe)

Gene: KAT6A (lysine acetyltransferase 6A; minus strand). Cytogenetic location: 8p11.21.
Variant type: Indel.
Coding change: c.4118_4119delinsTT on transcript NM_006766.5 (MANE Select); coding-DNA positions 4118 to 4119, CC replaced by TT.
Protein change: p.Ser1373Phe; replaces serine 1373 with phenylalanine.
Molecular consequence: missense variant.
Genome position (GRCh38, 1-based): chr8:41,934,101-41,934,102, GG replaced by AA on the plus strand (CC replaced by TT on the coding strand, the reverse complement: KAT6A is on the minus strand). VCF-style: chr8-41934101-GG-AA. GRCh37 (hg19) VCF-style: chr8-41791619-GG-AA.
Other names: short protein forms S1373F.
Identifiers: ClinVar variation 1991322 (VCV001991322.4), dbSNP rs2486756140, ClinGen allele CA2580078496.
Genomic context (GRCh38, chr8:41,934,101, plus strand): 5'-CTCAGACCCAGCCATCTGCTCTGACACCACGGACGTGTCATGGGAAGGCTGCTCCTCTTC[GG>AA]AATCCAGCTCGGTTTCCTCTTTATCCTTTATCTTTTCCCTACTCTTCTGCATATTAGCAT-3'
Protein context (NP_006757.2, residues 1363-1383): IKDKEETELD[Ser1373Phe]EEEQPSHDTS